The following is an entry in ClinVar:

ClinVar aggregate classification (germline): Benign (0 of 4 stars; one submission).

Conditions:
PPP2R3A-related disorder. Also called: PPP2R3A-related condition.

Allele frequency attached by ClinVar (database versions not stated): 1000 Genomes Project 0.00399; 1000 Genomes Project 30x 0.00453; ExAC 0.00813; gnomAD 0.00920; TOPMed 0.00937; ESP Exome Variant Server 0.00946; gnomAD exomes 0.01138.
gnomAD v4.1: 17,965 of 1,613,528 alleles (1.1%); highest among the groups gnomAD compares: Non-Finnish European, 1.3%; 140 homozygotes.

Submission:

PreventionGenetics, part of Exact Sciences
Classification: Benign for PPP2R3A-related condition. Last evaluated: 2019-02-22. Review status: no assertion criteria provided. Collection method: clinical testing. Allele origin: germline.
Comment: This variant is classified as benign based on ACMG/AMP sequence variant interpretation guidelines (Richards et al. 2015 PMID: 25741868, with internal and published modifications).

NM_002718.5(PPP2R3A):c.2084C>T (p.Pro695Leu)

Gene: PPP2R3A (protein phosphatase 2 regulatory subunit B''alpha; plus strand). Cytogenetic location: 3q22.3.
Variant type: single nucleotide variant.
Coding change: c.2084C>T on transcript NM_002718.5 (MANE Select); coding-DNA position 2084, C replaced by T.
Protein change: p.Pro695Leu; replaces proline 695 with leucine.
Molecular consequence: missense variant. On other transcripts: 5 prime UTR variant (1).
Genome position (GRCh38, 1-based): chr3:136,026,920, C>T. VCF-style: chr3-136026920-C-T. GRCh37 (hg19) VCF-style: chr3-135745762-C-T.
Other names: c.-125C>T (NM_001190447.2); c.221C>T, p.Pro74Leu (NM_181897.3); short protein forms P695L, P74L.
Identifiers: ClinVar variation 3039241 (VCV003039241.2), dbSNP rs9826032, ClinGen allele CA2630753.